The following is an entry in ClinVar:

NM_001206979.2(NR1H4):c.603G>C (p.Leu201Phe)

Gene: NR1H4 (nuclear receptor subfamily 1 group H member 4; plus strand). Cytogenetic location: 12q23.1.
Variant type: single nucleotide variant.
Coding change: c.603G>C on transcript NM_001206979.2 (MANE Select); coding-DNA position 603, G replaced by C.
Protein change: p.Leu201Phe; replaces leucine 201 with phenylalanine.
Molecular consequence: missense variant. On other transcripts: non-coding transcript variant (1).
Genome position (GRCh38, 1-based): chr12:100,534,894, G>C. VCF-style: chr12-100534894-G-C. GRCh37 (hg19) VCF-style: chr12-100928672-G-C.
Other names: c.603G>C, p.Leu201Phe (NM_001206977.2); c.450G>C, p.Leu150Phe (NM_001206978.2); c.621G>C, p.Leu207Phe (NM_001206992.2); c.633G>C, p.Leu211Phe (NM_001206993.2); c.591G>C, p.Leu197Phe (NM_005123.4); short protein forms L197F, L207F, L150F, L201F, L211F.
Identifiers: ClinVar variation 4695250 (VCV004695250.1).

ClinVar aggregate classification (germline): Uncertain significance (1 of 4 stars; one submission).

gnomAD v4.1: 6 of 1,614,022 alleles (0.00037%); highest among the groups gnomAD compares: Admixed American, 0.01%; no homozygotes.

Submission:

Labcorp Genetics (formerly Invitae), Labcorp
Classification: Uncertain significance. Last evaluated: 2026-01-06. Review status: criteria provided, single submitter. Criteria: Invitae Variant Classification Sherloc (09022015). Collection method: clinical testing. Allele origin: germline.
Comment: This sequence change replaces leucine, which is neutral and non-polar, with phenylalanine, which is neutral and non-polar, at codon 197 of the NR1H4 protein (p.Leu197Phe). This variant is present in population databases (rs753003510, gnomAD 0.02%). This variant has not been reported in the literature in individuals affected with NR1H4-related conditions. An algorithm developed to predict the effect of missense changes on protein structure and function (PolyPhen-2) suggests that this variant is likely to be disruptive. In summary, the available evidence is currently insufficient to determine the role of this variant in disease. Therefore, it has been classified as a Variant of Uncertain Significance.